The following is an entry in ClinVar:

NM_000143.4(FH):c.679C>G (p.Gln227Glu)

Gene: FH (fumarate hydratase; minus strand). Cytogenetic location: 1q43.
Variant type: single nucleotide variant.
Coding change: c.679C>G on transcript NM_000143.4 (MANE Select); coding-DNA position 679, C replaced by G.
Protein change: p.Gln227Glu; replaces glutamine 227 with glutamic acid.
Molecular consequence: missense variant.
Genome position (GRCh38, 1-based): chr1:241,508,662, G>C on the plus strand (C>G on the coding strand, the complement: FH is on the minus strand). VCF-style: chr1-241508662-G-C. GRCh37 (hg19) VCF-style: chr1-241671962-G-C.
Other names: short protein forms Q227E.
Identifiers: ClinVar variation 1755486 (VCV001755486.2), dbSNP rs11545658, ClinGen allele CA345439257.

ClinVar aggregate classification (germline): Uncertain significance (1 of 4 stars; one submission).

Conditions:
Hereditary cancer-predisposing syndrome. Also called: Neoplastic Syndromes, Hereditary; Tumor predisposition; Hereditary Cancer Syndrome; Hereditary neoplastic syndrome. Identifiers: Orphanet 140162, MedGen C0027672, MeSH D009386, MONDO:0015356.

Submission:

Ambry Genetics
Classification: Uncertain significance for Hereditary cancer-predisposing syndrome. Last evaluated: 2020-12-20. Review status: criteria provided, single submitter. Criteria: Ambry Variant Classification Scheme 2023. Collection method: clinical testing. Allele origin: germline.
Comment: The p.Q227E variant (also known as c.679C>G), located in coding exon 5 of the FH gene, results from a C to G substitution at nucleotide position 679. The glutamine at codon 227 is replaced by glutamic acid, an amino acid with highly similar properties. This amino acid position is well conserved in available vertebrate species. In addition, the in silico prediction for this alteration is inconclusive. Since supporting evidence is limited at this time, the clinical significance of this alteration remains unclear.